The following is an entry in ClinVar:

NM_203446.3(SYNJ1):c.3873G>T (p.Arg1291Ser)

Gene: SYNJ1 (synaptojanin 1; minus strand). Cytogenetic location: 21q22.11.
Variant type: single nucleotide variant.
Coding change: c.3873G>T on transcript NM_203446.3 (MANE Select); coding-DNA position 3873, G replaced by T.
Protein change: p.Arg1291Ser; replaces arginine 1291 with serine.
Molecular consequence: missense variant.
Genome position (GRCh38, 1-based): chr21:32,638,950, C>A on the plus strand (G>T on the coding strand, the complement: SYNJ1 is on the minus strand). VCF-style: chr21-32638950-C-A. GRCh37 (hg19) VCF-style: chr21-34011260-C-A.
Other names: c.3825G>T, p.Arg1275Ser (NM_001160302.2); c.3732G>T, p.Arg1244Ser (NM_001160306.2); c.3990G>T, p.Arg1330Ser (NM_003895.4); short protein forms R1244S, R1275S, R1291S, R1330S.
Identifiers: ClinVar variation 1023024 (VCV001023024.9), dbSNP rs141669628, ClinGen allele CA410086580.
Genomic context (GRCh38, chr21:32,638,950, plus strand): 5'-GTAACAAATGAGACTTACTTGCGGTTGTGAGGAAGCTTCTGAAGGCAAGCTATGGGATGA[C>A]CTGCTTCGAGGTGGTGGTTGTGGTGGGGTTTCCAAATTTGGCTGGGGGCCAGACTGAGGC-3'
Protein context (NP_982271.3, residues 1281-1301): ETPPQPPPRS[Arg1291Ser]SSHSLPSEAS

ClinVar aggregate classification (germline): Uncertain significance (1 of 4 stars; one submission).

Conditions:
Developmental and epileptic encephalopathy, 53. Also called: Epileptic encephalopathy, early infantile, 53. Identifiers: MedGen C4479313, MONDO:0033362, OMIM 617389.
Early-onset Parkinson disease 20. Also called: PARKINSON DISEASE 20, AUTOSOMAL RECESSIVE EARLY-ONSET. Identifiers: Orphanet 391411, MedGen C3809824, MONDO:0014233, OMIM 615530.

Submission:

Labcorp Genetics (formerly Invitae), Labcorp
Classification: Uncertain significance for Developmental and epileptic encephalopathy, 53; Early-onset Parkinson disease 20. Last evaluated: 2022-03-08. Review status: criteria provided, single submitter. Criteria: Invitae Variant Classification Sherloc (09022015). Collection method: clinical testing. Allele origin: germline.
Comment: In summary, the available evidence is currently insufficient to determine the role of this variant in disease. Therefore, it has been classified as a Variant of Uncertain Significance. Algorithms developed to predict the effect of missense changes on protein structure and function are either unavailable or do not agree on the potential impact of this missense change (SIFT: "Deleterious"; PolyPhen-2: "Possibly Damaging"; Align-GVGD: "Class C0"). ClinVar contains an entry for this variant (Variation ID: 1023024). This variant has not been reported in the literature in individuals affected with SYNJ1-related conditions. This variant is present in population databases (no rsID available, gnomAD 0.01%). This sequence change replaces arginine, which is basic and polar, with serine, which is neutral and polar, at codon 1330 of the SYNJ1 protein (p.Arg1330Ser).